The following is an entry in ClinVar:

ClinVar aggregate classification (germline): Benign/Likely benign. Review status: criteria provided, multiple submitters, no conflicts (2 of 4 stars). 9 submissions from 9 submitters: Benign (8); Likely benign (1). Last evaluated 2026-02-04.

Conditions:
Immunodeficiency, common variable, 7. Identifiers: Orphanet 1572, Orphanet 696894, MedGen C3542922, MONDO:0013862, OMIM 614699.

Allele frequency attached by ClinVar (database versions not stated): ExAC 0.35047; 1000 Genomes Project 0.40036; 1000 Genomes Project 30x 0.41099; gnomAD 0.42495; TOPMed 0.44162; ESP Exome Variant Server 0.46840.
gnomAD v4.1: 587,273 of 1,613,704 alleles (36%); highest among the groups gnomAD compares: African/African-American, 70%; 112,939 homozygotes.

Submissions (9):

Labcorp Genetics (formerly Invitae), Labcorp
Classification: Benign for Immunodeficiency, common variable, 7. Last evaluated: 2026-02-04. Review status: criteria provided, single submitter. Criteria: Invitae Variant Classification Sherloc (09022015). Collection method: clinical testing. Allele origin: germline.

Women's Health and Genetics/Laboratory Corporation of America, LabCorp
Classification: Benign. Last evaluated: 2026-01-21. Review status: criteria provided, single submitter. Criteria: LabCorp Variant Classification Summary - May 2015. Collection method: clinical testing. Allele origin: germline.

Blueprint Genetics
Classification: Likely benign. Last evaluated: 2024-11-26. Review status: criteria provided, single submitter. Criteria: ACMG Guidelines, 2015. Collection method: clinical testing. Allele origin: germline.

Unidad de Genómica Garrahan, Hospital de Pediatría Garrahan
Classification: Benign. Last evaluated: 2024-01-24. Review status: criteria provided, single submitter. Criteria: ACMG Guidelines, 2015. Collection method: clinical testing. Allele origin: germline. Affected: no. Observed: 41 variant alleles.
Comment: This variant is classified as Benign based on local population frequency. This variant was detected in 43% of patients studied by a panel of primary immunodeficiencies. Number of patients: 41. Only high quality variants are reported.

Genome-Nilou Lab
Classification: Benign for Immunodeficiency, common variable, 7. Last evaluated: 2021-07-30. Review status: criteria provided, single submitter. Criteria: ACMG Guidelines, 2015. Collection method: clinical testing. Allele origin: germline. Affected: no.

GeneDx
Classification: Benign. Last evaluated: 2018-11-10. Review status: criteria provided, single submitter. Criteria: GeneDx Variant Classification Process June 2021. Collection method: clinical testing. Allele origin: germline. Affected: yes.

Mayo Clinic Laboratories, Mayo Clinic
Classification: Benign. Last evaluated: 2016-09-26. Review status: criteria provided, single submitter. Criteria: ACMG Guidelines, 2015. Collection method: clinical testing. Allele origin: germline. Observed: 74 variant alleles.

Laboratory for Molecular Medicine, Mass General Brigham Personalized Medicine
Classification: Benign. Last evaluated: 2016-03-28. Review status: criteria provided, single submitter. Criteria: LMM Criteria. Collection method: clinical testing. Allele origin: germline.
Comment: Variant identified in a genome or exome case(s) and assessed due to predicted null impact of the variant or pathogenic assertions in the literature or databases. Disclaimer: This variant has not undergone full assessment. The following are preliminary notes: Frequency

Breakthrough Genomics
Classification: Benign. Review status: criteria provided, single submitter. Criteria: ACMG Guidelines, 2015. Collection method: not provided. Allele origin: germline. Inheritance: Autosomal recessive inheritance. Affected: yes.

NM_001006658.3(CR2):c.1776G>A (p.Leu592=)

Gene: CR2 (complement C3d receptor 2; plus strand). Cytogenetic location: 1q32.2.
Variant type: single nucleotide variant.
Coding change: c.1776G>A on transcript NM_001006658.3 (MANE Select); coding-DNA position 1776, G replaced by A.
Protein change: p.Leu592=; no amino-acid change (leucine 592 retained).
Molecular consequence: synonymous variant.
Genome position (GRCh38, 1-based): chr1:207,472,977, G>A. VCF-style: chr1-207472977-G-A. GRCh37 (hg19) VCF-style: chr1-207646322-G-A.
Other names: p.Leu592=; c.1776G>A, p.Leu592= (NM_001877.5).
Identifiers: ClinVar variation 402558 (VCV000402558.22), dbSNP rs1048971, ClinGen allele CA1368807.
Genomic context (GRCh38, chr1:207,472,977, plus strand): 5'-CACCATCCGTTGTACAAGCAATGATCAAGAAAGAGGCACCTGGAGTGGCCCTGCTCCCCT[G>A]TGTAAACTTTCCCTCCTTGCTGTCCAGTGCTCACATGTCCATATTGCAAATGGATACAAG-3'
Protein context (NP_001006659.1, residues 582-602): ERGTWSGPAP[Leu592=]CKLSLLAVQC